The following is an entry in ClinVar:

ClinVar aggregate classification (germline): Benign. Review status: criteria provided, multiple submitters, no conflicts (2 of 4 stars). 6 submissions from 6 submitters: Benign (6). Last evaluated 2026-02-04.

Conditions:
Multicentric osteolysis nodulosis arthropathy spectrum. Identifiers: Orphanet 3460, Orphanet 371428, MedGen C1850155, MONDO:0018298.

Allele frequency attached by ClinVar (database versions not stated): gnomAD 0.26147 and 0.26083; ExAC 0.30128; gnomAD exomes 0.30515 and 0.33403; 1000 Genomes Project 0.20008; 1000 Genomes Project 30x 0.20097; ESP Exome Variant Server 0.25677; TOPMed 0.25701.
gnomAD v4.1: 526,579 of 1,613,650 alleles (33%); highest among the groups gnomAD compares: Admixed American, 36%; 90,267 homozygotes.

Submissions (6):

Labcorp Genetics (formerly Invitae), Labcorp
Classification: Benign. Last evaluated: 2026-02-04. Review status: criteria provided, single submitter. Criteria: Invitae Variant Classification Sherloc (09022015). Collection method: clinical testing. Allele origin: germline.

Blueprint Genetics
Classification: Benign. Last evaluated: 2024-11-27. Review status: criteria provided, single submitter. Criteria: ACMG Guidelines, 2015. Collection method: clinical testing. Allele origin: germline.

Genome-Nilou Lab
Classification: Benign for Multicentric osteolysis, nodulosis, and arthropathy. Last evaluated: 2021-09-05. Review status: criteria provided, single submitter. Criteria: ACMG Guidelines, 2015. Collection method: clinical testing. Allele origin: germline. Affected: no.

GeneDx
Classification: Benign. Last evaluated: 2021-06-09. Review status: criteria provided, single submitter. Criteria: GeneDx Variant Classification Process June 2021. Collection method: clinical testing. Allele origin: germline. Affected: yes.

Illumina Laboratory Services, Illumina
Classification: Benign for Multicentric osteolysis, nodulosis, and arthropathy. Last evaluated: 2018-01-12. Review status: criteria provided, single submitter. Criteria: ICSL Variant Classification Criteria 13 December 2019. Collection method: clinical testing. Allele origin: germline.
Comment: This variant was observed in the ICSL laboratory as part of a predisposition screen in an ostensibly healthy population. It had not been previously curated by ICSL or reported in the Human Gene Mutation Database (HGMD: prior to June 1st, 2018), and was therefore a candidate for classification through an automated scoring system. Utilizing variant allele frequency, disease prevalence and penetrance estimates, and inheritance mode, an automated score was calculated to assess if this variant is too frequent to cause the disease. Based on the score and internal cut-off values, a variant classified as benign is not then subjected to further curation. The score for this variant resulted in a classification of benign for this disease.

Breakthrough Genomics
Classification: Benign. Review status: criteria provided, single submitter. Criteria: ACMG Guidelines, 2015. Collection method: not provided. Allele origin: germline. Inheritance: Autosomal recessive inheritance. Affected: yes.

NM_004530.6(MMP2):c.678G>C (p.Gly226=)

Gene: MMP2 (matrix metallopeptidase 2; plus strand). Cytogenetic location: 16q12.2.
Variant type: single nucleotide variant.
Coding change: c.678G>C on transcript NM_004530.6 (MANE Select); coding-DNA position 678, G replaced by C.
Protein change: p.Gly226=; no amino-acid change (glycine 226 retained).
Molecular consequence: synonymous variant.
Genome position (GRCh38, 1-based): chr16:55,485,623, G>C. VCF-style: chr16-55485623-G-C. GRCh37 (hg19) VCF-style: chr16-55519535-G-C.
Other names: c.528G>C, p.Gly176= (NM_001127891.3); c.450G>C, p.Gly150= (NM_001302508.1, NM_001302509.2, NM_001302510.2).
Identifiers: ClinVar variation 319750 (VCV000319750.20), dbSNP rs1132896, ClinGen allele CA8060166.